The following is an entry in ClinVar:

ClinVar aggregate classification (germline): Likely benign. Review status: criteria provided, multiple submitters, no conflicts (2 of 4 stars). 3 submissions from 3 submitters: Likely benign (3). Last evaluated 2024-01-01.

Allele frequency attached by ClinVar (database versions not stated): ExAC 0.00002; TOPMed 0.00003; ESP Exome Variant Server 0.00008; gnomAD 0.00014 and 0.00015.

Submissions (3):

CeGaT Center for Human Genetics Tuebingen
Classification: Likely benign. Last evaluated: 2024-01-01. Review status: criteria provided, single submitter. Criteria: CeGaT Center For Human Genetics Tuebingen Variant Classification Criteria Version 2. Collection method: clinical testing. Allele origin: germline. Affected: yes. Observed: 1 variant allele.
Comment: CHAMP1: BP4, BP7

Labcorp Genetics (formerly Invitae), Labcorp
Classification: Likely benign. Last evaluated: 2018-03-30. Review status: criteria provided, single submitter. Criteria: Invitae Variant Classification Sherloc (09022015). Collection method: clinical testing. Allele origin: germline.

Breakthrough Genomics
Classification: Likely benign. Review status: criteria provided, single submitter. Criteria: ACMG Guidelines, 2015. Collection method: not provided. Allele origin: germline. Inheritance: Autosomal dominant inheritance. Affected: yes.

NM_032436.4(CHAMP1):c.1209G>C (p.Thr403=)

Gene: CHAMP1 (chromosome alignment maintaining phosphoprotein 1; plus strand). Cytogenetic location: 13q34.
Variant type: single nucleotide variant.
Coding change: c.1209G>C on transcript NM_032436.4 (MANE Select); coding-DNA position 1209, G replaced by C.
Protein change: p.Thr403=; no amino-acid change (threonine 403 retained).
Molecular consequence: synonymous variant.
Genome position (GRCh38, 1-based): chr13:114,325,051, G>C. VCF-style: chr13-114325051-G-C. GRCh37 (hg19) VCF-style: chr13-115090526-G-C.
Other names: c.1209G>C, p.Thr403= (NM_001164144.3, NM_001164145.3).
Identifiers: ClinVar variation 746293 (VCV000746293.26), dbSNP rs149624011, ClinGen allele CA7070765.